The following is an entry in ClinVar:

NM_006267.5(RANBP2):c.4206G>C (p.Glu1402Asp)

Gene: RANBP2 (RAN binding protein 2; plus strand). Cytogenetic location: 2q13.
Variant type: single nucleotide variant.
Coding change: c.4206G>C on transcript NM_006267.5 (MANE Select); coding-DNA position 4206, G replaced by C.
Protein change: p.Glu1402Asp; replaces glutamic acid 1402 with aspartic acid.
Molecular consequence: missense variant.
Genome position (GRCh38, 1-based): chr2:108,764,745, G>C. VCF-style: chr2-108764745-G-C. GRCh37 (hg19) VCF-style: chr2-109381201-G-C.
Other names: short protein forms E1402D.
Identifiers: ClinVar variation 853033 (VCV000853033.1), dbSNP rs778322620, ClinGen allele CA348065954.

ClinVar aggregate classification (germline): Uncertain significance (1 of 4 stars; one submission).

Conditions:
Familial acute necrotizing encephalopathy (IIAE3). Also called: ENCEPHALOPATHY, ACUTE, INFECTION-INDUCED, SUSCEPTIBILITY TO, 3; Susceptibility to Acute Necrotizing Encephalopathy 1. Identifiers: Orphanet 88619, MedGen C2675556, MONDO:0011953, OMIM 608033.

Allele frequency attached by ClinVar (database versions not stated): TOPMed 0.00002.
gnomAD v4.1: 10 of 1,613,930 alleles (0.00062%); highest among the groups gnomAD compares: Non-Finnish European, 0.00085%; no homozygotes.

Submission:

Labcorp Genetics (formerly Invitae), Labcorp
Classification: Uncertain significance for Encephalopathy, acute, infection-induced, 3, suceptibility to. Last evaluated: 2019-11-29. Review status: criteria provided, single submitter. Criteria: Invitae Variant Classification Sherloc (09022015). Collection method: clinical testing. Allele origin: germline.
Comment: This sequence change replaces glutamic acid with aspartic acid at codon 1402 of the RANBP2 protein (p.Glu1402Asp). The glutamic acid residue is highly conserved and there is a small physicochemical difference between glutamic acid and aspartic acid. This variant is not present in population databases (ExAC no frequency). This variant has not been reported in the literature in individuals with RANBP2-related conditions. Algorithms developed to predict the effect of missense changes on protein structure and function output the following: SIFT: "Tolerated"; PolyPhen-2: "Benign"; Align-GVGD: "Class C0". The aspartic acid amino acid residue is found in multiple mammalian species, suggesting that this missense change does not adversely affect protein function. These predictions have not been confirmed by published functional studies and their clinical significance is uncertain. In summary, the available evidence is currently insufficient to determine the role of this variant in disease. Therefore, it has been classified as a Variant of Uncertain Significance.